The following is an entry in ClinVar:

ClinVar aggregate classification (germline): Uncertain significance (1 of 4 stars; one submission).

Allele frequency attached by ClinVar (database versions not stated): gnomAD exomes below 0.00001 and 0.00001.

Submission:

Labcorp Genetics (formerly Invitae), Labcorp
Classification: Uncertain significance. Last evaluated: 2024-02-19. Review status: criteria provided, single submitter. Criteria: Invitae Variant Classification Sherloc (09022015). Collection method: clinical testing. Allele origin: germline.
Comment: This sequence change replaces glutamine, which is neutral and polar, with arginine, which is basic and polar, at codon 646 of the SUCO protein (p.Gln646Arg). This variant is present in population databases (no rsID available, gnomAD 0.0009%). This variant has not been reported in the literature in individuals affected with SUCO-related conditions. ClinVar contains an entry for this variant (Variation ID: 1439667). An algorithm developed to predict the effect of missense changes on protein structure and function (PolyPhen-2) suggests that this variant is likely to be tolerated. In summary, the available evidence is currently insufficient to determine the role of this variant in disease. Therefore, it has been classified as a Variant of Uncertain Significance.

NM_014283.5(SUCO):c.1937A>G (p.Gln646Arg)

Gene: SUCO (SUN domain containing ossification factor; plus strand). Cytogenetic location: 1q24.3.
Variant type: single nucleotide variant.
Coding change: c.1937A>G on transcript NM_014283.5 (MANE Select); coding-DNA position 1937, A replaced by G.
Protein change: p.Gln646Arg; replaces glutamine 646 with arginine.
Molecular consequence: missense variant. On other transcripts: intron variant (1).
Genome position (GRCh38, 1-based): chr1:172,589,038, A>G. VCF-style: chr1-172589038-A-G. GRCh37 (hg19) VCF-style: chr1-172558178-A-G.
Other names: c.248A>G, p.Gln83Arg (NM_001282751.2); c.2390A>G, p.Gln797Arg (NM_016227.4); c.1712+114A>G (NM_001282750.2); short protein forms Q646R, Q83R, Q797R.
Identifiers: ClinVar variation 1439667 (VCV001439667.8), dbSNP rs1406709375, ClinGen allele CA343741471.